The following is an entry in ClinVar:

NM_001377.3(DYNC2H1):c.1847_1852del (p.Ile616_Leu617del)

Gene: DYNC2H1 (dynein cytoplasmic 2 heavy chain 1; plus strand). Cytogenetic location: 11q22.3.
Variant type: Deletion.
Coding change: c.1847_1852del on transcript NM_001377.3 (MANE Select); coding-DNA positions 1847 to 1852, 6 bases deleted (TTCTTA; older notation c.1847_1852delTTCTTA).
Protein change: p.Ile616_Leu617del.
Molecular consequence: inframe deletion.
Genome position (GRCh38, 1-based): chr11:103,125,285-103,125,290, TTCTTA deleted; deleting any 6 consecutive bases within chr11:103,125,282-103,125,290 gives the same sequence; the c. name uses the placement nearest the transcript's 3' end. VCF-style (leftmost placement, unchanged base first): chr11-103125281-ATTATTC-A. GRCh37 (hg19) VCF-style: chr11-102996010-ATTATTC-A.
Other names: c.1847_1852del, p.Ile616_Leu617del (NM_001080463.2); c.1847_1852del6 (NM_001080463.1).
Identifiers: ClinVar variation 446593 (VCV000446593.6), dbSNP rs773897318, ClinGen allele CA6252884.

ClinVar aggregate classification (germline): Conflicting classifications of pathogenicity. Review status: criteria provided, conflicting classifications (1 of 4 stars). 5 submissions from 5 submitters: Likely pathogenic (1); Uncertain significance (2). 2 of the submissions do not count toward it. Last evaluated 2025-08-11.

Conditions:
DYNC2H1-related disorder. Also called: DYNC2H1-related disorders; DYNC2H1-related condition. Identifiers: MedGen CN378770.
Asphyxiating thoracic dystrophy 3. Also called: SHORT-RIB THORACIC DYSPLASIA 3 WITH OR WITHOUT POLYDACTYLY; POLYDACTYLY WITH NEONATAL CHONDRODYSTROPHY, TYPE I; SHORT-RIB THORACIC DYSPLASIA 3/6 WITH POLYDACTYLY, DIGENIC; Saldino-Noonan Syndrome; Short rib polydactyly syndrome 2B. Identifiers: Orphanet 474, Orphanet 93269, Orphanet 93270, Orphanet 93271, MedGen C0036069, MONDO:0013127, OMIM 613091.

Submissions (5):

Myriad Genetics, Inc.
Classification: Uncertain significance for Asphyxiating thoracic dystrophy 3. Last evaluated: 2025-08-11. Review status: criteria provided, single submitter. Criteria: Myriad Autosomal Dominant, Autosomal Recessive and X-Linked Classification Criteria (2023). Collection method: clinical testing. Allele origin: unknown.
Comment: NM_001377.2(DYNC2H1):c.1847_1852del6(I616_L617del) is an in-frame deletion classified as a variant of uncertain significance in the context of DYNC2H1-related disorders. I616_L617del has been observed in a case with relevant disease (PMID: 29068549). Relevant functional assessments of this variant are not available in the literature. I616_L617del has been observed in referenced population frequency databases. In summary, there is insufficient evidence to classify NM_001377.2(DYNC2H1):c.1847_1852del6(I616_L617del) as pathogenic or benign. Please note: this variant was assessed in the context of healthy population screening.

Fulgent Genetics
Classification: Likely pathogenic for Asphyxiating thoracic dystrophy 3. Last evaluated: 2024-03-15. Review status: criteria provided, single submitter. Criteria: ACMG Guidelines, 2015. Collection method: clinical testing. Allele origin: germline.

PreventionGenetics, part of Exact Sciences
Classification: Uncertain significance for DYNC2H1-related condition. Last evaluated: 2022-12-13. Review status: criteria provided, single submitter. Criteria: ACMG Guidelines, 2015. Collection method: clinical testing. Allele origin: germline.
Comment: The DYNC2H1 c.1847_1852del6 variant is predicted to result in an in-frame deletion (p.Ile616_Leu617del). This variant was reported in the compound heterozygous state with another DYNC2H1 missense variant in a patient with perinatal lethal short-rib polydactyly syndrome (Zhang et al 2018. PubMed ID: 29068549). This variant is reported in 0.0019% of alleles in individuals of European (Non-Finnish) descent in gnomAD. Although we suspect that this variant may be pathogenic, at this time, the clinical significance of this variant is uncertain due to the absence of conclusive functional and genetic evidence.

Dan Cohn Lab, University Of California Los Angeles
Classification: Pathogenic for Asphyxiating thoracic dystrophy 3. Last evaluated: 2017-06-01. Review status: no assertion criteria provided. Collection method: research. Allele origin: maternal. Affected: yes. Not counted in ClinVar's aggregate classification.

University of Washington Center for Mendelian Genomics, University of Washington
Classification: Likely pathogenic for Asphyxiating thoracic dystrophy 3. Review status: no assertion criteria provided. Collection method: research. Allele origin: inherited. Affected: yes. Not counted in ClinVar's aggregate classification.

Literature cited by the submitters: PubMed 29068549 (cited by 3 submitters).